The following is an entry in ClinVar:

ClinVar aggregate classification (germline): Conflicting classifications of pathogenicity. Review status: criteria provided, conflicting classifications (1 of 4 stars). 3 submissions from 3 submitters: Pathogenic (2); Likely benign (1). Last evaluated 2025-09-14.

Conditions:
Melnick-Fraser syndrome (BOR). Also called: Branchiootorenal Syndrome (BORS); Branchiootorenal syndrome; Branchio-oto-renal syndrome. Identifiers: Orphanet 107, MedGen C0265234, MONDO:0007029.
Branchiootorenal syndrome 1. Also called: Branchio-Oto-Renal Syndrome 1. Identifiers: Orphanet 107, MedGen C4551702, MONDO:0007236, OMIM 113650.
Branchiootic syndrome 1 (BOS1). Also called: BO SYNDROME 1; BRANCHIOOTIC DYSPLASIA. Identifiers: MedGen C1865143, MONDO:0011258, OMIM 602588.

Submissions (3):

Department of Obstetrics and Gynecology, Union Hospital, Tongji Medical College, Huazhong University of Science and Technology
Classification: Pathogenic for Branchiootic syndrome 1; Branchiootorenal syndrome 1. Last evaluated: 2025-09-14. Review status: criteria provided, single submitter. Criteria: ACMG Guidelines, 2015. Collection method: clinical testing. Allele origin: de novo. Inheritance: Autosomal dominant inheritance. Affected: yes. Observed: 1 heterozygote.
Comment: This variant falls in intron 8 of the EYA1 gene. This variant is not present in population databases (gnomAD no frequency). This variant has been observed in individual(s) with clinical features of branchiootorenal syndrome (PMID: 18220287 IF: 3.7 Q2). In at least one individual, the variant was observed to be de novo. Algorithms developed to predict the effect of sequence changes on RNA splicing suggest that this variant may disrupt the consensus splice site. In vitro minigene splicing assays demonstrated that the c.640-15G>A mutation disrupts mRNA splicing, yielding four aberrant transcripts all carrying premature termination codons. These splicing defects are predicted to produce truncated proteins of 234, 223, 258 or 257 amino acids, indicating a loss-of- mechanism. For these reasons, this variant has been classified as Pathogenic.

Labcorp Genetics (formerly Invitae), Labcorp
Classification: Pathogenic for Melnick-Fraser syndrome. Last evaluated: 2023-08-03. Review status: criteria provided, single submitter. Criteria: Invitae Variant Classification Sherloc (09022015). Collection method: clinical testing. Allele origin: germline.
Comment: For these reasons, this variant has been classified as Pathogenic. Algorithms developed to predict the effect of sequence changes on RNA splicing suggest that this variant may disrupt the consensus splice site. ClinVar contains an entry for this variant (Variation ID: 1678740). This variant has been observed in individual(s) with clinical features of branchiootorenal syndrome (PMID: 18220287; Invitae). In at least one individual the variant was observed to be de novo. This variant is not present in population databases (gnomAD no frequency). This sequence change falls in intron 8 of the EYA1 gene. It does not directly change the encoded amino acid sequence of the EYA1 protein.

GeneDx
Classification: Likely benign. Last evaluated: 2015-03-03. Review status: criteria provided, single submitter. Criteria: GeneDx Variant Classification Process June 2021. Collection method: clinical testing. Allele origin: germline. Affected: yes.
Comment: See Variant Classification Assertion Criteria.

Literature cited by the submitters: PubMed 18220287 (cited by Labcorp Genetics (formerly Invitae), Labcorp).

NM_000503.6(EYA1):c.640-15G>A

Gene: EYA1 (EYA transcriptional coactivator and phosphatase 1; minus strand). Cytogenetic location: 8q13.3.
Variant type: single nucleotide variant.
Coding change: c.640-15G>A on transcript NM_000503.6 (MANE Select); 15 bases into the intron before coding-DNA position 640, G replaced by A.
Molecular consequence: intron variant.
Genome position (GRCh38, 1-based): chr8:71,299,248, C>T on the plus strand (G>A on the coding strand, the complement: EYA1 is on the minus strand). VCF-style: chr8-71299248-C-T. GRCh37 (hg19) VCF-style: chr8-72211483-C-T.
Other names: BOR; c.709-15G>A (NM_001370336.1); c.727-15G>A (NM_001370333.1); c.640-15G>A (NM_001370335.1, NM_001370334.1, NM_172058.4); c.712-15G>A (NM_172059.5); c.274-15G>A (NM_001288575.2); c.622-15G>A (NM_001288574.2).
Identifiers: ClinVar variation 1678740 (VCV001678740.6), dbSNP rs2129000122, ClinGen allele CA2573143314.
Genomic context (GRCh38, chr8:71,299,248, plus strand): 5'-ACTGTGCGTACTGACCCTGGCCAAAACTGGGATAAGACGGATAGTCCTACCAAATCAAAC[C>T]ACACAAGAATTGTCTGTCAAAATACTGCTGCTTATCTCTTACATATCAAAGTGTAACTGT-3'